The following is an entry in ClinVar:

NM_001164508.2(NEB):c.17228A>G (p.Asn5743Ser)

Gene: NEB (nebulin; minus strand). Cytogenetic location: 2q23.3.
Variant type: single nucleotide variant.
Coding change: c.17228A>G on transcript NM_001164508.2 (MANE Select); coding-DNA position 17228, A replaced by G.
Protein change: p.Asn5743Ser; replaces asparagine 5743 with serine.
Molecular consequence: missense variant.
Genome position (GRCh38, 1-based): chr2:151,570,283, T>C on the plus strand (A>G on the coding strand, the complement: NEB is on the minus strand). VCF-style: chr2-151570283-T-C. GRCh37 (hg19) VCF-style: chr2-152426797-T-C.
Other names: c.17228A>G, p.Asn5743Ser (NM_001164507.2, NM_001271208.2); c.12125A>G, p.Asn4042Ser (NM_004543.5); c.17228A>G (NM_001271208.1); short protein forms N4042S, N5743S.
Identifiers: ClinVar variation 1392549 (VCV001392549.7), dbSNP rs1022255644, ClinGen allele CA57663583.
Genomic context (GRCh38, chr2:151,570,283, plus strand): 5'-TCCACAGGGCTCTGGATCTTGGCCTTCCATTTGGCCCAGTCCAGCCGGTACTCTCGTTCA[T>C]TCTGGAGCTTGTCAGCTATGAGGGCCCAGCGGATCTTGTTGTCATCCCTGGCTGTGAGGG-3'
Protein context (NP_001157980.2, residues 5733-5753): RWALIADKLQ[Asn5743Ser]EREYRLDWAK

ClinVar aggregate classification (germline): Uncertain significance. Review status: criteria provided, multiple submitters, no conflicts (2 of 4 stars). 3 submissions from 3 submitters: Uncertain significance (3). Last evaluated 2025-06-09.

Conditions:
Nemaline myopathy 2 (NEM2). Also called: Nemaline myopathy 2, autosomal recessive. Identifiers: MedGen C1850569, MONDO:0009725, OMIM 256030.

Allele frequency attached by ClinVar (database versions not stated): gnomAD exomes below 0.00001 and 0.00001; TOPMed 0.00001.
gnomAD v4.1: 5 of 1,613,528 alleles (0.00031%); highest among the groups gnomAD compares: Non-Finnish European, 0.00025%; no homozygotes.

Submissions (3):

Revvity Omics, Revvity
Classification: Uncertain significance. Last evaluated: 2025-06-09. Review status: criteria provided, single submitter. Criteria: ACMG Guidelines, 2015. Collection method: clinical testing. Allele origin: germline.

GeneDx
Classification: Uncertain significance. Last evaluated: 2023-10-10. Review status: criteria provided, single submitter. Criteria: GeneDx Variant Classification Process June 2021. Collection method: clinical testing. Allele origin: germline. Affected: yes.
Comment: Not observed at significant frequency in large population cohorts (gnomAD); In silico analysis supports that this missense variant does not alter protein structure/function; Has not been previously published as pathogenic or benign to our knowledge

Labcorp Genetics (formerly Invitae), Labcorp
Classification: Uncertain significance for Nemaline myopathy 2. Last evaluated: 2022-08-21. Review status: criteria provided, single submitter. Criteria: Invitae Variant Classification Sherloc (09022015). Collection method: clinical testing. Allele origin: germline.
Comment: This sequence change replaces asparagine, which is neutral and polar, with serine, which is neutral and polar, at codon 5743 of the NEB protein (p.Asn5743Ser). This variant is present in population databases (no rsID available, gnomAD 0.0009%). This variant has not been reported in the literature in individuals affected with NEB-related conditions. ClinVar contains an entry for this variant (Variation ID: 1392549). Algorithms developed to predict the effect of missense changes on protein structure and function are either unavailable or do not agree on the potential impact of this missense change (SIFT: "Deleterious"; PolyPhen-2: "Not Available"; Align-GVGD: "Class C0"). In summary, the available evidence is currently insufficient to determine the role of this variant in disease. Therefore, it has been classified as a Variant of Uncertain Significance.